The following is an entry in ClinVar:

NM_033641.4(COL4A6):c.2292C>T (p.Gly764=)

Gene: COL4A6 (collagen type IV alpha 6 chain; minus strand). Cytogenetic location: Xq22.3.
Variant type: single nucleotide variant.
Coding change: c.2292C>T on transcript NM_033641.4 (MANE Select); coding-DNA position 2292, C replaced by T.
Protein change: p.Gly764=; no amino-acid change (glycine 764 retained).
Molecular consequence: synonymous variant.
Genome position (GRCh38, 1-based): chrX:108,179,278, G>A on the plus strand (C>T on the coding strand, the complement: COL4A6 is on the minus strand). VCF-style: chrX-108179278-G-A. GRCh37 (hg19) VCF-style: chrX-107422508-G-A.
Other names: c.2343C>T, p.Gly781= (NM_001287758.2); c.2292C>T, p.Gly764= (NM_001287759.2, NM_001287760.2); c.2295C>T, p.Gly765= (NM_001847.4).
Identifiers: ClinVar variation 512463 (VCV000512463.1), dbSNP rs1556007278, ClinGen allele CA517943468.
Genomic context (GRCh38, chrX:108,179,278, plus strand): 5'-CTTGAGTCCTGGAAGGCCAGAGTCTCCAAGAAATCCTTTGTGCCCTGTTAATCCTTGTAG[G>A]CCTTGTTCCCCCGGAGCACCATTTTCAGCACCAAAGATGTCACCAGTGGCTCCCTTGGAA-3'
Protein context (NP_378667.1, residues 754-774): GAENGAPGEQ[Gly764=]LQGLTGHKGF

ClinVar aggregate classification (germline): Likely benign (1 of 4 stars; one submission).

Submission:

GeneDx
Classification: Likely benign. Last evaluated: 2017-10-11. Review status: criteria provided, single submitter. Criteria: GeneDx Variant Classification (06012015). Collection method: clinical testing. Allele origin: germline. Affected: yes.
Comment: This variant is considered likely benign or benign based on one or more of the following criteria: it is a conservative change, it occurs at a poorly conserved position in the protein, it is predicted to be benign by multiple in silico algorithms, and/or has population frequency not consistent with disease.